The following is an entry in ClinVar:

ClinVar aggregate classification (germline): Uncertain significance (1 of 4 stars; one submission).

Conditions:
Cardiomyopathy (CMYO). Also called: Cardiomyopathies. Identifiers: Orphanet 167848, MedGen C0878544, MONDO:0004994, HP:0001638. Inheritance: Various modes of inheritance.

Submission:

Color Diagnostics, LLC DBA Color Health
Classification: Uncertain significance for Cardiomyopathy. Last evaluated: 2024-07-08. Review status: criteria provided, single submitter. Criteria: ACMG Guidelines, 2015. Collection method: clinical testing. Allele origin: germline.
Comment: This missense variant replaces glutamic acid with alanine at codon 872 of the MYH7 protein. Computational prediction tools indicate that this variant has a deleterious impact on protein structure and function. This variant is found within a highly conserved region of the myosin head domain. Missense variants in this region have been shown to be significantly overrepresented in individuals with affected with hypertrophic cardiomyopathy (PMID: 27532257). To our knowledge, functional studies have not been reported for this variant. This variant has not been reported in individuals affected with MYH7-related disorders in the literature. This variant has not been identified in the general population by the Genome Aggregation Database (gnomAD). The available evidence is insufficient to determine the role of this variant in disease conclusively. Therefore, this variant is classified as a Variant of Uncertain Significance.

Literature cited by the submitters: PubMed 27532257.

NM_000257.4(MYH7):c.2615A>C (p.Glu872Ala)

Genes: MYH7 (myosin heavy chain 7; minus strand), LOC126861898 (BRD4-independent group 4 enhancer GRCh37_chr14:23893609-23894808; plus strand). Cytogenetic location: 14q11.2.
Variant type: single nucleotide variant.
Coding change: c.2615A>C on transcript NM_000257.4 (MANE Select); coding-DNA position 2615, A replaced by C.
Protein change: p.Glu872Ala; replaces glutamic acid 872 with alanine.
Molecular consequence: missense variant.
Genome position (GRCh38, 1-based): chr14:23,424,833, T>G on the plus strand (A>C on the coding strand, the complement: MYH7 is on the minus strand). VCF-style: chr14-23424833-T-G. GRCh37 (hg19) VCF-style: chr14-23894042-T-G.
Other names: c.2615A>C, p.Glu872Ala (NM_001407004.1); short protein forms E872A.
Identifiers: ClinVar variation 3893990 (VCV003893990.1).